The following is an entry in ClinVar:

NM_032538.3(TTBK1):c.2099G>A (p.Arg700Gln)

Gene: TTBK1 (tau tubulin kinase 1; plus strand). Cytogenetic location: 6p21.1.
Variant type: single nucleotide variant.
Coding change: c.2099G>A on transcript NM_032538.3 (MANE Select); coding-DNA position 2099, G replaced by A.
Protein change: p.Arg700Gln; replaces arginine 700 with glutamine.
Molecular consequence: missense variant.
Genome position (GRCh38, 1-based): chr6:43,282,839, G>A. VCF-style: chr6-43282839-G-A. GRCh37 (hg19) VCF-style: chr6-43250577-G-A.
Other names: short protein forms R700Q.
Identifiers: ClinVar variation 2656592 (VCV002656592.24), dbSNP rs150300017, ClinGen allele CA3819790.

ClinVar aggregate classification (germline): Likely benign (1 of 4 stars; one submission).

Allele frequency attached by ClinVar (database versions not stated): ExAC 0.00117; 1000 Genomes Project 0.00160; ESP Exome Variant Server 0.00008; TOPMed 0.00019; gnomAD 0.00034; gnomAD exomes 0.00062; 1000 Genomes Project 30x 0.00187.
gnomAD v4.1: 969 of 1,613,986 alleles (0.06%); highest among the groups gnomAD compares: South Asian, 0.74%; 9 homozygotes.

Submission:

CeGaT Center for Human Genetics Tuebingen
Classification: Likely benign. Last evaluated: 2022-12-01. Review status: criteria provided, single submitter. Criteria: CeGaT Center For Human Genetics Tuebingen Variant Classification Criteria Version 2. Collection method: clinical testing. Allele origin: germline. Affected: yes. Observed: 1 variant allele.
Comment: TTBK1: BS2